The following is an entry in ClinVar:

NM_003060.4(SLC22A5):c.922G>A (p.Val308Met)

Gene: SLC22A5 (solute carrier family 22 member 5; plus strand). Cytogenetic location: 5q31.1.
Variant type: single nucleotide variant.
Coding change: c.922G>A on transcript NM_003060.4 (MANE Select); coding-DNA position 922, G replaced by A.
Protein change: p.Val308Met; replaces valine 308 with methionine.
Molecular consequence: missense variant.
Genome position (GRCh38, 1-based): chr5:132,387,122, G>A. VCF-style: chr5-132387122-G-A. GRCh37 (hg19) VCF-style: chr5-131722814-G-A.
Other names: c.994G>A, p.Val332Met (NM_001308122.2); short protein forms V332M, V308M.
Identifiers: ClinVar variation 958893 (VCV000958893.8), dbSNP rs1752559686, ClinGen allele CA360805695.

ClinVar aggregate classification (germline): Uncertain significance. Review status: criteria provided, multiple submitters, no conflicts (2 of 4 stars). 2 submissions from 2 submitters: Uncertain significance (2). Last evaluated 2023-03-07.

Conditions:
Inborn genetic diseases. Identifiers: MedGen C0950123, MeSH D030342.
Renal carnitine transport defect (CDSP). Also called: Systemic primary carnitine deficiency disease; Primary carnitine deficiency; Carnitine transporter deficiency; Carnitine Deficiency, Systemic; CARNITINE DEFICIENCY, SYSTEMIC, DUE TO DEFECT IN RENAL REABSORPTION OF CARNITINE; CARNITINE TRANSPORTER, PLASMA-MEMBRANE, DEFICIENCY OF. Identifiers: Orphanet 158, MedGen C0342788, MONDO:0008919, OMIM 212140.

gnomAD v4.1: 2 of 1,614,188 alleles (0.00012%); highest among the groups gnomAD compares: Non-Finnish European, 0.00017%; no homozygotes.

Submissions (2):

Ambry Genetics
Classification: Uncertain significance for Inborn genetic diseases. Last evaluated: 2023-03-07. Review status: criteria provided, single submitter. Criteria: Ambry Variant Classification Scheme 2023. Collection method: clinical testing. Allele origin: germline.

Labcorp Genetics (formerly Invitae), Labcorp
Classification: Uncertain significance for Renal carnitine transport defect. Last evaluated: 2021-09-01. Review status: criteria provided, single submitter. Criteria: Invitae Variant Classification Sherloc (09022015). Collection method: clinical testing. Allele origin: germline.
Comment: This sequence change replaces valine with methionine at codon 308 of the SLC22A5 protein (p.Val308Met). The valine residue is weakly conserved and there is a small physicochemical difference between valine and methionine. This variant is not present in population databases (ExAC no frequency). This variant has not been reported in the literature in individuals affected with SLC22A5-related conditions. Algorithms developed to predict the effect of missense changes on protein structure and function (SIFT, PolyPhen-2, Align-GVGD) all suggest that this variant is likely to be tolerated. In summary, the available evidence is currently insufficient to determine the role of this variant in disease. Therefore, it has been classified as a Variant of Uncertain Significance.